The following is an entry in ClinVar:

NM_022725.4(FANCF):c.484_485del (p.Leu162fs)

Gene: FANCF (FA complementation group F; minus strand). Cytogenetic location: 11p14.3.
Variant type: Microsatellite.
Coding change: c.484_485del on transcript NM_022725.4 (MANE Select); coding-DNA positions 484 to 485, 2 bases deleted (CT; older notation c.484_485delCT).
Protein change: p.Leu162fs; shifts the reading frame from leucine 162.
Molecular consequence: frameshift variant.
Genome position (GRCh38, 1-based): chr11:22,625,326-22,625,327, AG deleted on the plus strand (CT on the coding strand, the reverse complement: FANCF is on the minus strand); deleting any 2 consecutive bases within chr11:22,625,326-22,625,331 gives the same sequence; the c. name uses the placement nearest the transcript's 3' end. VCF-style (leftmost placement, unchanged base first): chr11-22625325-CAG-C. GRCh37 (hg19) VCF-style: chr11-22646871-CAG-C.
Other names: c.484_485delCT (NM_022725.3, NM_022725.4); short protein forms L162fs.
Identifiers: ClinVar variation 6343 (VCV000006343.32), dbSNP rs587778340, ClinGen allele CA213089.

ClinVar aggregate classification (germline): Pathogenic. Review status: criteria provided, multiple submitters, no conflicts (2 of 4 stars). 14 submissions from 14 submitters: Pathogenic (11). 3 of the submissions do not count toward it. Last evaluated 2026-01-09.

Conditions:
FANCF-related disorder. Also called: FANCF-related condition.
Fanconi anemia (FA). Also called: Fanconi's anemia. Identifiers: Orphanet 84, MedGen C0015625, MeSH D005199, MONDO:0019391.
Fanconi anemia complementation group F. Also called: FANCF-Related Fanconi Anemia. Identifiers: Orphanet 84, MedGen C3469526, MONDO:0011325, OMIM 603467.

Submissions (14):

Labcorp Genetics (formerly Invitae), Labcorp
Classification: Pathogenic for Fanconi anemia. Last evaluated: 2026-01-09. Review status: criteria provided, single submitter. Criteria: Invitae Variant Classification Sherloc (09022015). Collection method: clinical testing. Allele origin: germline.
Comment: This sequence change creates a premature translational stop signal (p.Leu162Aspfs*103) in the FANCF gene. While this is not anticipated to result in nonsense mediated decay, it is expected to disrupt the last 213 amino acid(s) of the FANCF protein. This variant is present in population databases (rs587778340, gnomAD 0.02%). This premature translational stop signal has been observed in individuals with Fanconi anemia (FA) (PMID: 26033879, 27714961, 28102861). ClinVar contains an entry for this variant (Variation ID: 6343). Algorithms developed to predict the effect of variants on gene product structure and function are not available or were not evaluated for this variant. Experimental studies have shown that this premature translational stop signal affects FANCF function (PMID: 10615118). For these reasons, this variant has been classified as Pathogenic.

Greenwood Genetic Center Diagnostic Laboratories, Greenwood Genetic Center
Classification: Pathogenic for Fanconi anemia complementation group F. Last evaluated: 2025-06-26. Review status: criteria provided, single submitter. Criteria: ACMG Guidelines, 2015. Collection method: clinical testing. Allele origin: germline. Affected: yes.
Comment: PVS1, PS3, PM2, PM3

Women's Health and Genetics/Laboratory Corporation of America, LabCorp
Classification: Pathogenic for Fanconi anemia. Last evaluated: 2025-01-28. Review status: criteria provided, single submitter. Criteria: LabCorp Variant Classification Summary - May 2015. Collection method: clinical testing. Allele origin: germline.
Comment: Variant summary: FANCF c.484_485delCT (p.Leu162AspfsX103) results in a premature termination codon, predicted to cause a truncation of the encoded protein but not expected to result in nonsense mediated decay. The variant allele was found at a frequency of 7.6e-05 in 250260 control chromosomes. This frequency is not significantly higher than estimated for a pathogenic variant in FANCF causing Fanconi Anemia (7.6e-05 vs 0.0004), allowing no conclusion about variant significance. c.484_485delCT has been reported in the literature in multiple individuals affected with Fanconi Anemia (example: Chandrasekharappa_2013, Wang_2023, Nicchia _2015). These data indicate that the variant is very likely to be associated with disease. The following publications have been ascertained in the context of this evaluation (PMID: 23613520, 36513378, 26033879). ClinVar contains an entry for this variant (Variation ID: 6343). Based on the evidence outlined above, the variant was classified as pathogenic.

Blueprint Genetics
Classification: Pathogenic for FANCF-related disorders. Last evaluated: 2024-10-15. Review status: criteria provided, single submitter. Criteria: ACMG Guidelines, 2015. Collection method: clinical testing. Allele origin: germline. Affected: yes. Observed: 5 variant alleles.

GeneDx
Classification: Pathogenic. Last evaluated: 2024-08-07. Review status: criteria provided, single submitter. Criteria: GeneDx Variant Classification Process June 2021. Collection method: clinical testing. Allele origin: germline. Affected: yes.
Comment: Reported with a second FANCF variant in multiple individuals with Fanconi anemia (PMID: 27714961); Published functional studies demonstrate disruption of protein expression (PMID: 10615118); Frameshift variant predicted to result in abnormal protein length as the last 213 amino acids are replaced with 102 different amino acids, and other similar variants have been reported in HGMD; This variant is associated with the following publications: (PMID: 16084127, 28102861, 10615118, 28687971, 26689913, 34426522, 31589614, 34117267, 34308104, 36200007, 26033879, 27714961)

Fulgent Genetics
Classification: Pathogenic for Fanconi anemia complementation group F. Last evaluated: 2024-03-28. Review status: criteria provided, single submitter. Criteria: ACMG Guidelines, 2015. Collection method: clinical testing. Allele origin: germline.

Baylor Genetics
Classification: Pathogenic for Fanconi anemia complementation group F. Last evaluated: 2024-03-20. Review status: criteria provided, single submitter. Criteria: ACMG Guidelines, 2015. Collection method: clinical testing. Allele origin: unknown.

Revvity Omics, Revvity
Classification: Pathogenic for Fanconi anemia complementation group F. Last evaluated: 2024-01-25. Review status: criteria provided, single submitter. Criteria: ACMG Guidelines, 2015. Collection method: clinical testing. Allele origin: germline.

ARUP Laboratories, Molecular Genetics and Genomics, ARUP Laboratories
Classification: Pathogenic for Fanconi anemia complementation group F. Last evaluated: 2024-01-19. Review status: criteria provided, single submitter. Criteria: ARUP Molecular Germline Variant Investigation Process 2024. Collection method: clinical testing. Allele origin: germline.
Comment: The FANCF c.484_485del; p.Leu162AspfsTer103 (rs587778340) is reported in the literature in the compound heterozygous and homozygous states in at least nine individuals (including three siblings) affected with Fanconi anemia (Chandra 2005, Chandrasekharappa 2013, Muramatsu 2017, Nicchia 2015, Tryon 2017). This variant is also reported in ClinVar (Variation ID: 6343). This variant is found in the non-Finnish European population with an allele frequency of 0.01% (14/128732) alleles) in the Genome Aggregation Database (v2.1.1). In vitro functional analyses demonstrate this mutant results in absent FANCF protein (de Winter 2000). This variant results in a premature termination codon in a single-exon gene. While this may not lead to nonsense-mediated decay, it is expected to create a truncated FANCF protein that would include a sequence of 102 amino acid residues not usually present. Based on available information, this variant is considered to be pathogenic. References: Chandra S et al. A rapid method for retrovirus-mediated identification of complementation groups in Fanconi anemia patients. Mol Ther. 2005 Nov. PMID: 16084127. Chandrasekharappa SC et al. Massively parallel sequencing, aCGH, and RNA-Seq technologies provide a comprehensive molecular diagnosis of Fanconi anemia. Blood. 2013 May 30. PMID: 23613520. de Winter JP et al. The Fanconi anaemia gene FANCF encodes a novel protein with homology to ROM. Nature genetics. 2000 Jan. PMID: 10615118. Muramatsu H et al. Clinical utility of next-generation sequencing for inherited bone marrow failure syndromes. Genet Med. 2017 Jul. PMID: 28102861. Nicchia E et al. Clinical aspects of Fanconi anemia individuals with the same mutation of FANCF identified by next generation sequencing. Birth Defects Res A Clin Mol Teratol. 2015 Dec. PMID: 26033879. Tryon R et al. Phenotypic variability in patients with Fanconi anemia and biallelic FANCF mutations. Am J Med Genet A. 2017 Jan. PMID: 27714961.

Sema4
Classification: Pathogenic for Fanconi anemia. Last evaluated: 2021-09-17. Review status: criteria provided, single submitter. Criteria: Sema4 Curation Guidelines. Collection method: curation. Allele origin: germline.
Comment: The FANCF c.484_485delCT (p.L162DfsX103) variant has been reported as compound heterozygous and as homozygous in at least six individuals with Fanconi anemia (FA) (PMID: 16084127, 28102861, 27714961, 26033879). Experimental studies on cells isolated from a homozygous FA-patient exhibit loss of FANCF protein expression (PMID: 10615118). This variant causes a frameshift at amino acid 162 that results in premature termination 103 amino acids downstream, predicted to result in truncated protein product. This variant was observed in 7/30616 chromosomes in the South Asian population according to the Genome Aggregation Database (PMID: 32461654). This variant has been reported in ClinVar (Variation ID: 6343). Based on the current evidence available, this variant is interpreted as pathogenic.

Illumina Laboratory Services, Illumina
Classification: Pathogenic for Fanconi anemia complementation group F. Last evaluated: 2017-04-28. Review status: criteria provided, single submitter. Criteria: ICSL Variant Classification Criteria 09 May 2019. Collection method: clinical testing. Allele origin: germline.
Comment: The FANCF c.484_485delCT (p.Leu162AspfsTer103) variant results in a frameshift, and is predicted to cause premature termination of the protein. The p.Leu162AspfsTer103 variant has been reported in three studies in which it is found in a total of six patients with Fanconi anemia including in four in homozygous state (including three sibling fetuses terminated for congenital anomalies), and in two in a compound heterozygous state (de Winter et al. 2000; Nicchia et al. 2015; Chandra et al. 2005). Control data are unavailable for this variant, which is reported at a frequency of 0.00024 in the South Asian population of the Exome Aggregation Consortium. The FANCF protein was absent in lymphoblasts from an individual who was homozygous for the variant (de Winter et al. 2000). Due to the potential impact of frameshift variants and the collective evidence, the p.Leu162AspfsTer103 variant is classified as pathogenic for Fanconi anemia. This variant was observed by ICSL as part of a predisposition screen in an ostensibly healthy population.

PreventionGenetics, part of Exact Sciences
Classification: Pathogenic for FANCF-related condition. Last evaluated: 2024-08-06. Review status: no assertion criteria provided. Collection method: clinical testing. Allele origin: germline. Not counted in ClinVar's aggregate classification.
Comment: The FANCF c.484_485delCT variant is predicted to result in a frameshift and premature protein termination (p.Leu162Aspfs*103). This variant has been reported as a cause of Fanconi anemia in several patients (de Winter et al. 2000. PubMed ID: 10615118; Tryon et al. 2016. PubMed ID: 27714961; Muramatsu et al. 2017. PubMed ID: 28102861). This variant is reported in 0.023% of alleles in individuals of South Asian descent in gnomAD. This variant is classified as pathogenic by multiple submitters in Clinvar. Frameshift variants in FANCF are expected to be pathogenic. This variant is interpreted as pathogenic.

ITMI
No classification provided. Condition: AllHighlyPenetrant. Last evaluated: 2013-09-19. Review status: no classification provided. Collection method: reference population. Allele origin: germline. Not counted in ClinVar's aggregate classification.
Comment: Please see associated publication for description of ethnicities

OMIM
Classification: Pathogenic for FANCONI ANEMIA, COMPLEMENTATION GROUP F. Last evaluated: 2000-01-01. Review status: no assertion criteria provided. Collection method: literature only. Allele origin: germline. Not counted in ClinVar's aggregate classification.

Literature cited by the submitters: PubMed 26033879 (cited by 4 submitters); PubMed 27714961 (cited by 3 submitters); PubMed 28102861 (cited by Labcorp Genetics (formerly Invitae), Labcorp and Sema4); PubMed 10615118 (cited by 4 submitters); PubMed 23613520 (cited by Women's Health and Genetics/Laboratory Corporation of America, LabCorp); PubMed 36513378 (cited by Women's Health and Genetics/Laboratory Corporation of America, LabCorp); PubMed 16084127 (cited by Sema4 and Illumina Laboratory Services, Illumina); PubMed 24728327 (cited by ITMI).